The following is an entry in ClinVar:

ClinVar aggregate classification (germline): Likely pathogenic (1 of 4 stars; one submission).

Conditions:
Chuvash polycythemia. Also called: POLYCYTHEMIA, VHL-DEPENDENT. Identifiers: Orphanet 238557, MedGen C1837915, MONDO:0009892, OMIM 263400.
Von Hippel-Lindau syndrome (VHLS). Also called: von Hippel–Lindau syndrome; VHL syndrome; Von Hippel-Lindau. Identifiers: Orphanet 892, MedGen C0019562, MONDO:0008667, OMIM 193300. Disease mechanism: loss of function.

Submission:

Labcorp Genetics (formerly Invitae), Labcorp
Classification: Likely pathogenic for Von Hippel-Lindau syndrome; Chuvash polycythemia. Last evaluated: 2024-12-26. Review status: criteria provided, single submitter. Criteria: Invitae Variant Classification Sherloc (09022015). Collection method: clinical testing. Allele origin: germline.
Comment: This sequence change replaces tyrosine, which is neutral and polar, with asparagine, which is neutral and polar, at codon 175 of the VHL protein (p.Tyr175Asn). This variant is not present in population databases (gnomAD no frequency). This missense change has been observed in individual(s) with clinical features of von Hippel-Lindau syndrome (PMID: 14722919). Invitae Evidence Modeling of protein sequence and biophysical properties (such as structural, functional, and spatial information, amino acid conservation, physicochemical variation, residue mobility, and thermodynamic stability) indicates that this missense variant is expected to disrupt VHL protein function with a positive predictive value of 95%. This variant disrupts the p.Tyr175 amino acid residue in VHL. Other variant(s) that disrupt this residue have been determined to be pathogenic (PMID: 14722919, 23859443, 30105105; internal data). This suggests that this residue is clinically significant, and that variants that disrupt this residue are likely to be disease-causing. In summary, the currently available evidence indicates that the variant is pathogenic, but additional data are needed to prove that conclusively. Therefore, this variant has been classified as Likely Pathogenic.

Literature cited by the submitters: PubMed 14722919; PubMed 23859443; PubMed 30105105.

NM_000551.4(VHL):c.523T>A (p.Tyr175Asn)

Genes: VHL (von Hippel-Lindau tumor suppressor; plus strand), LOC107303340 (3p25 von Hippel-Lindau tumor suppressor, E3 ubiquitin protein ligase Alu-mediated recombination region; plus strand). Cytogenetic location: 3p25.3.
Variant type: single nucleotide variant.
Coding change: c.523T>A on transcript NM_000551.4 (MANE Select); coding-DNA position 523, T replaced by A.
Protein change: p.Tyr175Asn; replaces tyrosine 175 with asparagine.
Molecular consequence: missense variant. On other transcripts: 3 prime UTR variant (1), non-coding transcript variant (1).
Genome position (GRCh38, 1-based): chr3:10,149,846, T>A. VCF-style: chr3-10149846-T-A. GRCh37 (hg19) VCF-style: chr3-10191530-T-A.
Other names: c.*77T>A (NM_001354723.2); c.400T>A, p.Tyr134Asn (NM_198156.3); short protein forms Y134N, Y175N.
Identifiers: ClinVar variation 3759082 (VCV003759082.2).